The following is an entry in ClinVar:

NM_000350.3(ABCA4):c.577C>T (p.His193Tyr)

Gene: ABCA4 (ATP binding cassette subfamily A member 4; minus strand). Cytogenetic location: 1p22.1.
Variant type: single nucleotide variant.
Coding change: c.577C>T on transcript NM_000350.3 (MANE Select); coding-DNA position 577, C replaced by T.
Protein change: p.His193Tyr; replaces histidine 193 with tyrosine.
Molecular consequence: missense variant.
Genome position (GRCh38, 1-based): chr1:94,098,985, G>A on the plus strand (C>T on the coding strand, the complement: ABCA4 is on the minus strand). VCF-style: chr1-94098985-G-A. GRCh37 (hg19) VCF-style: chr1-94564541-G-A.
Other names: c.577C>T, p.His193Tyr (NM_001425324.1); c.577C>T (NM_000350.2); short protein forms H193Y.
Identifiers: ClinVar variation 1974332 (VCV001974332.3), dbSNP rs761305962, ClinGen allele CA958796.

ClinVar aggregate classification (germline): Uncertain significance. Review status: criteria provided, multiple submitters, no conflicts (2 of 4 stars). 2 submissions from 2 submitters: Uncertain significance (2). Last evaluated 2026-03-11.

Conditions:
ABCA4-related disorder. Also called: ABCA4-related condition; ABCA4-related disorders. Identifiers: MedGen CN239167.

Allele frequency attached by ClinVar (database versions not stated): TOPMed below 0.00001; ExAC 0.00001; gnomAD 0.00001.

Submissions (2):

PreventionGenetics, part of Exact Sciences
Classification: Uncertain significance for ABCA4-related condition. Last evaluated: 2026-03-11. Review status: criteria provided, single submitter. Criteria: ACMG Guidelines, 2015. Collection method: clinical testing. Allele origin: germline.
Comment: The ABCA4 c.577C>T variant is predicted to result in the amino acid substitution p.His193Tyr. To our knowledge, this variant has not been reported in the literature. This variant is reported in 0.0032% of alleles in individuals of European (Non-Finnish) descent in gnomAD. At this time, the clinical significance of this variant is uncertain due to the absence of conclusive functional and genetic evidence.

Labcorp Genetics (formerly Invitae), Labcorp
Classification: Uncertain significance. Last evaluated: 2022-07-15. Review status: criteria provided, single submitter. Criteria: Invitae Variant Classification Sherloc (09022015). Collection method: clinical testing. Allele origin: germline.
Comment: This sequence change replaces histidine, which is basic and polar, with tyrosine, which is neutral and polar, at codon 193 of the ABCA4 protein (p.His193Tyr). This variant is present in population databases (rs761305962, gnomAD 0.003%). This variant has not been reported in the literature in individuals affected with ABCA4-related conditions. Advanced modeling of protein sequence and biophysical properties (such as structural, functional, and spatial information, amino acid conservation, physicochemical variation, residue mobility, and thermodynamic stability) performed at Invitae indicates that this missense variant is not expected to disrupt ABCA4 protein function. In summary, the available evidence is currently insufficient to determine the role of this variant in disease. Therefore, it has been classified as a Variant of Uncertain Significance.